The following is an entry in ClinVar:

NM_014030.4(GIT1):c.2010-4G>A

Genes: GIT1 (GIT ArfGAP 1; minus strand), TP53I13 (tumor protein p53 inducible protein 13; plus strand). Cytogenetic location: 17q11.2.
Variant type: single nucleotide variant.
Coding change: c.2010-4G>A on transcript NM_014030.4 (MANE Select); 4 bases into the intron before coding-DNA position 2010, G replaced by A.
Molecular consequence: intron variant.
Genome position (GRCh38, 1-based): chr17:29,575,146, C>T on the plus strand (G>A on the coding strand, the complement: GIT1 is on the minus strand). VCF-style: chr17-29575146-C-T. GRCh37 (hg19) VCF-style: chr17-27902164-C-T.
Other names: c.2037-4G>A (NM_001085454.2).
Identifiers: ClinVar variation 3044309 (VCV003044309.2), dbSNP rs555497918, ClinGen allele CA8475814.

ClinVar aggregate classification (germline): Likely benign (0 of 4 stars; one submission).

Conditions:
GIT1-related disorder. Also called: GIT1-related condition.

Allele frequency attached by ClinVar (database versions not stated): TOPMed 0.00002; gnomAD 0.00008; gnomAD exomes 0.00016; ExAC 0.00040; 1000 Genomes Project 30x 0.00141; 1000 Genomes Project 0.00160.
gnomAD v4.1: 241 of 1,594,672 alleles (0.015%); highest among the groups gnomAD compares: South Asian, 0.25%; 3 homozygotes.

Submission:

PreventionGenetics, part of Exact Sciences
Classification: Likely benign for GIT1-related condition. Last evaluated: 2019-06-07. Review status: no assertion criteria provided. Collection method: clinical testing. Allele origin: germline.
Comment: This variant is classified as likely benign based on ACMG/AMP sequence variant interpretation guidelines (Richards et al. 2015 PMID: 25741868, with internal and published modifications).